The following is an entry in ClinVar:

ClinVar aggregate classification (germline): Uncertain significance (1 of 4 stars; one submission).

Conditions:
Hereditary cancer-predisposing syndrome. Also called: Hereditary Cancer Syndrome; Hereditary neoplastic syndrome; Neoplastic Syndromes, Hereditary; Tumor predisposition. Identifiers: Orphanet 140162, MedGen C0027672, MeSH D009386, MONDO:0015356.

Submission:

Ambry Genetics
Classification: Uncertain significance for Hereditary cancer-predisposing syndrome. Last evaluated: 2025-08-04. Review status: criteria provided, single submitter. Criteria: Ambry Variant Classification Scheme 2023. Collection method: clinical testing. Allele origin: germline.
Comment: The c.2742G>T variant (also known as p.G914G), located in coding exon 16 of the ALK gene, results from a G to T substitution at nucleotide position 2742. This nucleotide substitution does not change the amino acid at codon 914. This nucleotide position is well conserved in available vertebrate species. In silico splice site analysis for this alteration is inconclusive. Based on the available evidence, the clinical significance of this variant remains unclear.

NM_004304.5(ALK):c.2742G>T (p.Gly914=)

Gene: ALK (ALK receptor tyrosine kinase; minus strand). Cytogenetic location: 2p23.2.
Variant type: single nucleotide variant.
Coding change: c.2742G>T on transcript NM_004304.5 (MANE Select); coding-DNA position 2742, G replaced by T.
Protein change: p.Gly914=; no amino-acid change (glycine 914 retained).
Molecular consequence: synonymous variant.
Genome position (GRCh38, 1-based): chr2:29,228,957, C>A on the plus strand (G>T on the coding strand, the complement: ALK is on the minus strand). VCF-style: chr2-29228957-C-A. GRCh37 (hg19) VCF-style: chr2-29451823-C-A.
Identifiers: ClinVar variation 4272738 (VCV004272738.1).
Genomic context (GRCh38, chr2:29,228,957, plus strand): 5'-GCCTCCTCCACCTGAGGAGCACCCCCCTCCACCCCCTCCGAAACCCCCTCTTGTCTCCCA[C>A]CCCCACTTCTTCATGGCCTGGGGGCAGGAATGTCCTCCGGTGGCACCCTCCTGCAAAGAT-3'
Protein context (NP_004295.2, residues 904-924): HSCPQAMKKW[Gly914=]WETRGGFGGG